The following is an entry in ClinVar:

NM_017999.5(RNF31):c.1407G>C (p.Leu469=)

Gene: RNF31 (ring finger protein 31; plus strand). Cytogenetic location: 14q12.
Variant type: single nucleotide variant.
Coding change: c.1407G>C on transcript NM_017999.5 (MANE Select); coding-DNA position 1407, G replaced by C.
Protein change: p.Leu469=; no amino-acid change (leucine 469 retained).
Molecular consequence: synonymous variant.
Genome position (GRCh38, 1-based): chr14:24,150,807, G>C. VCF-style: chr14-24150807-G-C. GRCh37 (hg19) VCF-style: chr14-24620016-G-C.
Other names: c.954G>C, p.Leu318= (NM_001310332.2).
Identifiers: ClinVar variation 2831768 (VCV002831768.3), dbSNP rs781776932, ClinGen allele CA485778173.

ClinVar aggregate classification (germline): Uncertain significance (1 of 4 stars; one submission).

Submission:

Labcorp Genetics (formerly Invitae), Labcorp
Classification: Uncertain significance. Last evaluated: 2023-02-21. Review status: criteria provided, single submitter. Criteria: Invitae Variant Classification Sherloc (09022015). Collection method: clinical testing. Allele origin: germline.
Comment: Algorithms developed to predict the effect of sequence changes on RNA splicing suggest that this variant may create or strengthen a splice site. This variant has not been reported in the literature in individuals affected with RNF31-related conditions. This variant is not present in population databases (gnomAD no frequency). This sequence change affects codon 469 of the RNF31 mRNA. It is a 'silent' change, meaning that it does not change the encoded amino acid sequence of the RNF31 protein. In summary, the available evidence is currently insufficient to determine the role of this variant in disease. Therefore, it has been classified as a Variant of Uncertain Significance.